The following is an entry in ClinVar:

NM_001277115.2(DNAH11):c.8926C>T (p.Arg2976Ter)

Gene: DNAH11 (dynein axonemal heavy chain 11; plus strand). Cytogenetic location: 7p15.3.
Variant type: single nucleotide variant.
Coding change: c.8926C>T on transcript NM_001277115.2 (MANE Select); coding-DNA position 8926, C replaced by T.
Protein change: p.Arg2976Ter; replaces arginine 2976 with a stop codon.
Molecular consequence: nonsense.
Genome position (GRCh38, 1-based): chr7:21,750,350, C>T. VCF-style: chr7-21750350-C-T. GRCh37 (hg19) VCF-style: chr7-21789968-C-T.
Other names: c.8947C>T, p.Arg2983Ter (NM_003777.3); short protein forms R2983*, R2976*.
Identifiers: ClinVar variation 2731045 (VCV002731045.3), dbSNP rs1298378020, ClinGen allele CA366956463.
Genomic context (GRCh38, chr7:21,750,350, plus strand): 5'-CATGCTCTGGGCATGGTAGACTCCAGGGAAAACTGTTGGAAATTCTTTATGGCCAGGGTG[C>T]GACTACAGCTCAAAGTAAGAAATACTTGCTTAATTTGCATGTTAGTTAAAACCTGCTATT-3'

ClinVar aggregate classification (germline): Pathogenic (1 of 4 stars; one submission).

Conditions:
Primary ciliary dyskinesia. Also called: Ciliary dyskinesia. Identifiers: Orphanet 244, MedGen C0008780, MONDO:0016575, HP:0012265.

Allele frequency attached by ClinVar (database versions not stated): TOPMed below 0.00001; gnomAD 0.00001; gnomAD exomes 0.00001.
gnomAD v4.1: 10 of 1,602,864 alleles (0.00062%); highest among the groups gnomAD compares: South Asian, 0.0023%; no homozygotes.

Submission:

Labcorp Genetics (formerly Invitae), Labcorp
Classification: Pathogenic for Primary ciliary dyskinesia. Last evaluated: 2025-03-28. Review status: criteria provided, single submitter. Criteria: Invitae Variant Classification Sherloc (09022015). Collection method: clinical testing. Allele origin: germline.
Comment: This sequence change creates a premature translational stop signal (p.Arg2976*) in the DNAH11 gene. It is expected to result in an absent or disrupted protein product. Loss-of-function variants in DNAH11 are known to be pathogenic (PMID: 18022865, 20513915, 22184204). The frequency data for this variant in the population databases is considered unreliable, as metrics indicate poor data quality at this position in the gnomAD database. This variant has not been reported in the literature in individuals affected with DNAH11-related conditions. ClinVar contains an entry for this variant (Variation ID: 2731045). For these reasons, this variant has been classified as Pathogenic.

Literature cited by the submitters: PubMed 18022865; PubMed 20513915; PubMed 22184204.